The following is an entry in ClinVar:

ClinVar aggregate classification (germline): Likely pathogenic. Review status: criteria provided, single submitter (1 of 4 stars). 2 submissions from 2 submitters: Likely pathogenic (1). 1 of the submissions does not count toward it. Last evaluated 2018-10-15.

Conditions:
Islet cell adenomatosis. Identifiers: MedGen C1578917, MONDO:0007834, OMIM 147630.

Submissions (2):

SIB Swiss Institute of Bioinformatics
Classification: Likely pathogenic for Islet cell adenomatosis. Last evaluated: 2018-10-15. Review status: criteria provided, single submitter. Criteria: ACMG Guidelines, 2015. Collection method: curation. Allele origin: unknown.
Comment: This variant is interpreted as Likely Pathogenic, for Insulinomatosis and diabetes mellitus; insdm, autosomal dominant. The following ACMG Tag(s) were applied: PP3 => Multiple lines of computational evidence support a deleterious effect on the gene or gene product. PM2 => Absent from controls (or at extremely low frequency if recessive) in Exome Sequencing Project, 1000 Genomes Project, or Exome Aggregation Consortium. PP1-Moderate => PP1 upgraded in strength to Moderate (PubMed 29339498). PS3-Moderate => PS3 downgraded in strength to Moderate (PubMed 29339498).

OMIM
Classification: Pathogenic for INSULINOMATOSIS AND DIABETES MELLITUS. Last evaluated: 2018-03-19. Review status: no assertion criteria provided. Collection method: literature only. Allele origin: germline. Not counted in ClinVar's aggregate classification.

Literature cited by the submitters: PubMed 29339498 (cited by SIB Swiss Institute of Bioinformatics and OMIM); Tragl, K.-H., Mayr, W. R. Familial islet-cell adenomatosis. Lancet 318: 426-428, 1977. Note: Originally Volume II. (cited by OMIM).

NM_201589.4(MAFA):c.191C>T (p.Ser64Phe)

Gene: MAFA (MAF bZIP transcription factor A; minus strand). Cytogenetic location: 8q24.3.
Variant type: single nucleotide variant.
Coding change: c.191C>T on transcript NM_201589.4 (MANE Select); coding-DNA position 191, C replaced by T.
Protein change: p.Ser64Phe; replaces serine 64 with phenylalanine.
Molecular consequence: missense variant.
Genome position (GRCh38, 1-based): chr8:143,430,216, G>A on the plus strand (C>T on the coding strand, the complement: MAFA is on the minus strand). VCF-style: chr8-143430216-G-A. GRCh37 (hg19) VCF-style: chr8-144512386-G-A.
Other names: short protein forms S64F.
Identifiers: ClinVar variation 496645 (VCV000496645.1), dbSNP rs1554635488, ClinGen allele CA372417621.